The following is an entry in ClinVar:

ClinVar aggregate classification (germline): Likely benign (1 of 4 stars; one submission).

Allele frequency attached by ClinVar (database versions not stated): 1000 Genomes Project 0.00020; 1000 Genomes Project 30x 0.00031; gnomAD 0.00037; gnomAD exomes 0.00050.
gnomAD v4.1: 195 of 398,620 alleles (0.049%); highest among the groups gnomAD compares: Middle Eastern, 0.57%; no homozygotes.

Submission:

CeGaT Center for Human Genetics Tuebingen
Classification: Likely benign. Last evaluated: 2026-09-01. Review status: criteria provided, single submitter. Criteria: CeGaT Center For Human Genetics Tuebingen Variant Classification Criteria Version 2. Collection method: clinical testing. Allele origin: germline. Affected: yes. Observed: 6 variant alleles.
Comment: KCNQ1OT1: BS1

NM_000218.3(KCNQ1):c.1394-4746C>G

Genes: KCNQ1 (potassium voltage-gated channel subfamily Q member 1; plus strand), KCNQ1OT1 (KCNQ1 opposite strand/antisense transcript 1; minus strand). Cytogenetic location: 11p15.5.
Variant type: single nucleotide variant.
Coding change: c.1394-4746C>G on transcript NM_000218.3 (MANE Select); 4746 bases into the intron before coding-DNA position 1394, C replaced by G.
Molecular consequence: intron variant. On other transcripts: non-coding transcript variant (1).
Genome position (GRCh38, 1-based): chr11:2,657,215, C>G. VCF-style: chr11-2657215-C-G. GRCh37 (hg19) VCF-style: chr11-2678445-C-G.
Other names: c.1124-4746C>G (NM_001406837.1); c.1298-4746C>G (NM_001406836.1); c.854-4746C>G (NM_001406838.1); c.1013-4746C>G (NM_181798.2).
Identifiers: ClinVar variation 2641442 (VCV002641442.24), dbSNP rs554303726, ClinGen allele CA216167342.